The following is an entry in ClinVar:

GRCh38/hg38 Xp11.23-11.22(chrX:48344666-52664916)x2

Genes: AKAP4 (A-kinase anchoring protein 4; minus strand), ASMER2 (adipocyte associated metabolic related lncRNA 2; plus strand), BMP15 (bone morphogenetic protein 15; plus strand), CACNA1F (calcium voltage-gated channel subunit alpha1 F; minus strand), CCDC120 (coiled-coil domain containing 120; plus strand) and 197 more. Cytogenetic location: Xp11.23-11.22.
Variant type: copy number gain.
Change: copy number 2 of chrX:48,344,666-52,664,916 (4.32 Mb, GRCh38 coordinates, 1-based), cytogenetic band Xp11.23-11.22.
Identifiers: ClinVar variation 58241 (VCV000058241.1).

ClinVar aggregate classification (germline): Pathogenic (1 of 4 stars; one submission).

Submission:

ISCA site 17
Classification: Pathogenic. Last evaluated: 2011-08-12. Review status: criteria provided, single submitter. Criteria: Kaminsky et al. (Genet Med. 2011). Collection method: clinical testing. Allele origin: unknown. Affected: yes. Observed: 1 variant allele.
Comment: Copy number variation identified through the course of routine clinical cytogenomic testing in postnatal populations. Clinical assertions have been curated as described in Kaminsky et al. 2011.